The following is an entry in ClinVar:

ClinVar aggregate classification (germline): Uncertain significance (1 of 4 stars; one submission).

Submission:

Labcorp Genetics (formerly Invitae), Labcorp
Classification: Uncertain significance. Last evaluated: 2025-07-21. Review status: criteria provided, single submitter. Criteria: Invitae Variant Classification Sherloc (09022015). Collection method: clinical testing. Allele origin: germline.
Comment: This sequence change replaces lysine, which is basic and polar, with glutamine, which is neutral and polar, at codon 538 of the LZTR1 protein (p.Lys538Gln). This variant is not present in population databases (gnomAD no frequency). This variant has not been reported in the literature in individuals affected with LZTR1-related conditions. Invitae Evidence Modeling of protein sequence and biophysical properties (such as structural, functional, and spatial information, amino acid conservation, physicochemical variation, residue mobility, and thermodynamic stability) indicates that this missense variant is not expected to disrupt LZTR1 protein function with a negative predictive value of 80%. In summary, the available evidence is currently insufficient to determine the role of this variant in disease. Therefore, it has been classified as a Variant of Uncertain Significance.

NM_006767.4(LZTR1):c.1612A>C (p.Lys538Gln)

Gene: LZTR1 (leucine zipper like post translational regulator 1; plus strand). Cytogenetic location: 22q11.21.
Variant type: single nucleotide variant.
Coding change: c.1612A>C on transcript NM_006767.4 (MANE Select); coding-DNA position 1612, A replaced by C.
Protein change: p.Lys538Gln; replaces lysine 538 with glutamine.
Molecular consequence: missense variant.
Genome position (GRCh38, 1-based): chr22:20,994,266, A>C. VCF-style: chr22-20994266-A-C. GRCh37 (hg19) VCF-style: chr22-21348555-A-C.
Other names: short protein forms K538Q.
Identifiers: ClinVar variation 4745545 (VCV004745545.1).
Genomic context (GRCh38, chr22:20,994,266, plus strand): 5'-GCCCGGCCCTTCGAGGTGCTCATGCAGTTCCTCTACACCGACAAGATCAAATACCCACGG[A>C]AAGGTCCGCCTGGGTGGGGGTGGAGCAGGGTTGGTGTGGGCTGGGGTGCGGGCAGCAGAG-3'
Protein context (NP_006758.2, residues 528-548): LYTDKIKYPR[Lys538Gln]GHVEDVLLIM